The following is an entry in ClinVar:

ClinVar aggregate classification (germline): Uncertain significance. Review status: criteria provided, multiple submitters, no conflicts (2 of 4 stars). 3 submissions from 3 submitters: Uncertain significance (2). 1 of the submissions does not count toward it. Last evaluated 2025-04-03.

Conditions:
Inborn genetic diseases. Identifiers: MedGen C0950123, MeSH D030342.
Fanconi anemia (FA). Also called: Fanconi's anemia. Identifiers: Orphanet 84, MedGen C0015625, MeSH D005199, MONDO:0019391.

Submissions (3):

Ambry Genetics
Classification: Uncertain significance for Inborn genetic diseases. Last evaluated: 2025-04-03. Review status: criteria provided, single submitter. Criteria: Ambry Variant Classification Scheme 2023. Collection method: clinical testing. Allele origin: germline.
Comment: The p.V206L variant (also known as c.616G>T), located in coding exon 7 of the FANCA gene, results from a G to T substitution at nucleotide position 616. The valine at codon 206 is replaced by leucine, an amino acid with highly similar properties. This amino acid position is conserved. In addition, this alteration is predicted to be tolerated by in silico analysis. Based on the available evidence, the clinical significance of this variant remains unclear.

Labcorp Genetics (formerly Invitae), Labcorp
Classification: Uncertain significance for Fanconi anemia. Last evaluated: 2021-10-18. Review status: criteria provided, single submitter. Criteria: Invitae Variant Classification Sherloc (09022015). Collection method: clinical testing. Allele origin: germline.
Comment: Advanced modeling of protein sequence and biophysical properties (such as structural, functional, and spatial information, amino acid conservation, physicochemical variation, residue mobility, and thermodynamic stability) performed at Invitae indicates that this missense variant is not expected to disrupt FANCA protein function. This variant has not been reported in the literature in individuals affected with FANCA-related conditions. This variant is not present in population databases (ExAC no frequency). This sequence change replaces valine with leucine at codon 206 of the FANCA protein (p.Val206Leu). The valine residue is weakly conserved and there is a small physicochemical difference between valine and leucine. In summary, the available evidence is currently insufficient to determine the role of this variant in disease. Therefore, it has been classified as a Variant of Uncertain Significance.

Natera, Inc.
Classification: Uncertain significance for Fanconi anemia. Last evaluated: 2025-01-17. Review status: no assertion criteria provided. Collection method: clinical testing. Allele origin: germline. Not counted in ClinVar's aggregate classification.

NM_000135.4(FANCA):c.616G>T (p.Val206Leu)

Gene: FANCA (FA complementation group A; minus strand). Cytogenetic location: 16q24.3.
Variant type: single nucleotide variant.
Coding change: c.616G>T on transcript NM_000135.4 (MANE Select); coding-DNA position 616, G replaced by T.
Protein change: p.Val206Leu; replaces valine 206 with leucine.
Molecular consequence: missense variant.
Genome position (GRCh38, 1-based): chr16:89,805,373, C>A on the plus strand (G>T on the coding strand, the complement: FANCA is on the minus strand). VCF-style: chr16-89805373-C-A. GRCh37 (hg19) VCF-style: chr16-89871781-C-A.
Other names: c.616G>T (NM_000135.2, NM_000135.3); c.616G>T, p.Val206Leu (NM_001018112.3, NM_001286167.3); c.520G>T, p.Val174Leu (NM_001351830.2); short protein forms V174L, V206L.
Identifiers: ClinVar variation 1512493 (VCV001512493.8), dbSNP rs2143632297, ClinGen allele CA397478186.